The following is an entry in ClinVar:

NM_001845.6(COL4A1):c.1714C>T (p.Pro572Ser)

Gene: COL4A1 (collagen type IV alpha 1 chain; minus strand). Cytogenetic location: 13q34.
Variant type: single nucleotide variant.
Coding change: c.1714C>T on transcript NM_001845.6 (MANE Select); coding-DNA position 1714, C replaced by T.
Protein change: p.Pro572Ser; replaces proline 572 with serine.
Molecular consequence: missense variant.
Genome position (GRCh38, 1-based): chr13:110,187,152, G>A on the plus strand (C>T on the coding strand, the complement: COL4A1 is on the minus strand). VCF-style: chr13-110187152-G-A. GRCh37 (hg19) VCF-style: chr13-110839499-G-A.
Other names: c.1714C>T (NM_001845.4, NM_001845.5); short protein forms P572S.
Identifiers: ClinVar variation 2076431 (VCV002076431.6), dbSNP rs768768429, ClinGen allele CA7047853.

ClinVar aggregate classification (germline): Uncertain significance. Review status: criteria provided, multiple submitters, no conflicts (2 of 4 stars). 3 submissions from 3 submitters: Uncertain significance (2). 1 of the submissions does not count toward it. Last evaluated 2024-09-24.

Conditions:
Inborn genetic diseases. Identifiers: MedGen C0950123, MeSH D030342.
COL4A1-related disorder. Also called: COL4A1-related disorders; COL4A1-related condition. Identifiers: MedGen CN376119, MONDO:0800461.

Allele frequency attached by ClinVar (database versions not stated): ExAC 0.00001; gnomAD 0.00001; TOPMed 0.00001; gnomAD exomes 0.00003.
gnomAD v4.1: 44 of 1,613,854 alleles (0.0027%); highest among the groups gnomAD compares: Non-Finnish European, 0.0036%; no homozygotes.

Submissions (3):

Ambry Genetics
Classification: Uncertain significance for Inborn genetic diseases. Last evaluated: 2024-09-24. Review status: criteria provided, single submitter. Criteria: Ambry Variant Classification Scheme 2023. Collection method: clinical testing. Allele origin: germline.

Labcorp Genetics (formerly Invitae), Labcorp
Classification: Uncertain significance. Last evaluated: 2024-08-21. Review status: criteria provided, single submitter. Criteria: Invitae Variant Classification Sherloc (09022015). Collection method: clinical testing. Allele origin: germline.
Comment: This sequence change replaces proline, which is neutral and non-polar, with serine, which is neutral and polar, at codon 572 of the COL4A1 protein (p.Pro572Ser). This variant is not present in population databases (gnomAD no frequency). This variant has not been reported in the literature in individuals affected with COL4A1-related conditions. ClinVar contains an entry for this variant (Variation ID: 2076431). An algorithm developed to predict the effect of missense changes on protein structure and function (PolyPhen-2) suggests that this variant is likely to be tolerated. In summary, the available evidence is currently insufficient to determine the role of this variant in disease. Therefore, it has been classified as a Variant of Uncertain Significance.

PreventionGenetics, part of Exact Sciences
Classification: Uncertain significance for COL4A1-related condition. Last evaluated: 2024-06-15. Review status: no assertion criteria provided. Collection method: clinical testing. Allele origin: germline. Not counted in ClinVar's aggregate classification.
Comment: The COL4A1 c.1714C>T variant is predicted to result in the amino acid substitution p.Pro572Ser. To our knowledge, this variant has not been reported in the literature. This variant is reported in 0.0062% of alleles in individuals of African descent in gnomAD. At this time, the clinical significance of this variant is uncertain due to the absence of conclusive functional and genetic evidence.